The following is an entry in ClinVar:

ClinVar aggregate classification (germline): Uncertain significance (1 of 4 stars; one submission).

Submission:

Ambry Genetics
Classification: Uncertain significance. Last evaluated: 2026-08-02. Review status: criteria provided, single submitter. Criteria: Ambry Variant Classification Scheme 2023. Collection method: clinical testing. Allele origin: germline.
Comment: The p.N86I variant (also known as c.257A>T), located in coding exon 1 of the MLH3 gene, results from an A to T substitution at nucleotide position 257. The asparagine at codon 86 is replaced by isoleucine, an amino acid with dissimilar properties. This amino acid position is conserved. In addition, the in silico prediction for this alteration is inconclusive. Based on the available evidence, the clinical significance of this variant remains unclear.

NM_001040108.2(MLH3):c.257A>T (p.Asn86Ile)

Gene: MLH3 (mutL homolog 3; minus strand). Cytogenetic location: 14q24.3.
Variant type: single nucleotide variant.
Coding change: c.257A>T on transcript NM_001040108.2 (MANE Select); coding-DNA position 257, A replaced by T.
Protein change: p.Asn86Ile; replaces asparagine 86 with isoleucine.
Molecular consequence: missense variant.
Genome position (GRCh38, 1-based): chr14:75,049,399, T>A on the plus strand (A>T on the coding strand, the complement: MLH3 is on the minus strand). VCF-style: chr14-75049399-T-A. GRCh37 (hg19) VCF-style: chr14-75516102-T-A.
Other names: c.257A>T, p.Asn86Ile (NM_014381.3); short protein forms N86I.
Identifiers: ClinVar variation 5024614 (VCV005024614.1).